The following is an entry in ClinVar:

ClinVar aggregate classification (germline): Uncertain significance (1 of 4 stars; one submission).

Conditions:
RASopathy. Also called: rasopathies; Noonan spectrum disorder. Identifiers: Orphanet 536391, MedGen C5555857, MONDO:0021060.

Submission:

Labcorp Genetics (formerly Invitae), Labcorp
Classification: Uncertain significance for RASopathy. Last evaluated: 2025-08-09. Review status: criteria provided, single submitter. Criteria: Invitae Variant Classification Sherloc (09022015). Collection method: clinical testing. Allele origin: germline.
Comment: This sequence change falls in intron 6 of the PTPN11 gene. It does not directly change the encoded amino acid sequence of the PTPN11 protein. It affects a nucleotide within the consensus splice site. This variant is not present in population databases (gnomAD no frequency). This variant has not been reported in the literature in individuals affected with PTPN11-related conditions. Variants that disrupt the consensus splice site are a relatively common cause of aberrant splicing (PMID: 17576681, 9536098). Algorithms developed to predict the effect of sequence changes on RNA splicing suggest that this variant is not likely to affect RNA splicing. In summary, the available evidence is currently insufficient to determine the role of this variant in disease. Therefore, it has been classified as a Variant of Uncertain Significance.

Literature cited by the submitters: PubMed 17576681; PubMed 9536098.

NM_002834.5(PTPN11):c.756+3A>T

Gene: PTPN11 (protein tyrosine phosphatase non-receptor type 11; plus strand). Cytogenetic location: 12q24.13.
Variant type: single nucleotide variant.
Coding change: c.756+3A>T on transcript NM_002834.5 (MANE Select); 3 bases into the intron after coding-DNA position 756, A replaced by T.
Molecular consequence: intron variant.
Genome position (GRCh38, 1-based): chr12:112,456,066, A>T. VCF-style: chr12-112456066-A-T. GRCh37 (hg19) VCF-style: chr12-112893870-A-T.
Other names: c.756+3A>T (NM_001330437.2, NM_080601.3); c.753+3A>T (NM_001374625.1).
Identifiers: ClinVar variation 4724853 (VCV004724853.1).
Genomic context (GRCh38, chr12:112,456,066, plus strand): 5'-AAGCAAATTAGCTGAGACCACAGATAAAGTCAAACAAGGCTTTTGGGAAGAATTTGAGGT[A>T]AGTTATTAAAAAACTGTTTTTACGTGAGTTGTTATATCCTATTTTTAGTGGAGGAGAAGT-3'